The following is an entry in ClinVar:

NM_130837.3(OPA1):c.2178+1G>A

Gene: OPA1 (OPA1 mitochondrial dynamin like GTPase; plus strand). Cytogenetic location: 3q29.
Variant type: single nucleotide variant.
Coding change: c.2178+1G>A on transcript NM_130837.3 (MANE Select); the canonical splice donor site of the intron after coding-DNA position 2178, G replaced by A.
Molecular consequence: splice donor variant.
Genome position (GRCh38, 1-based): chr3:193,655,028, G>A. VCF-style: chr3-193655028-G-A. GRCh37 (hg19) VCF-style: chr3-193372817-G-A.
Other names: c.1641+1G>A (NM_001354664.2); c.1644+1G>A (NM_001354663.2); c.2067+1G>A (NM_130834.3); c.2124+1G>A (NM_130836.3); c.2013+1G>A (NM_015560.3); c.2070+1G>A (NM_130835.3); c.1959+1G>A (NM_130832.3); c.2016+1G>A (NM_130833.3); and 1 more.
Identifiers: ClinVar variation 593455 (VCV000593455.14), dbSNP rs1560392160, ClinGen allele CA355791340.
Genomic context (GRCh38, chr3:193,655,028, plus strand): 5'-ACAGTGGATATCAAGCTTAAACAGTGGACTGATAAACAACTTCCTAATAAAGCAGTAGAG[G>A]TTAGGATATAATTTAATTAAATGGGTAAGAAGCATTATCTGAAGGGAGTAGGAGCTGTGA-3'

ClinVar aggregate classification (germline): Pathogenic. Review status: criteria provided, multiple submitters, no conflicts (2 of 4 stars). 4 submissions from 4 submitters: Pathogenic (4). Last evaluated 2025-09-23.

Conditions:
OPA1-related disorder. Also called: OPA1-related condition; OPA1-related disorders.

Allele frequency attached by ClinVar (database versions not stated): TOPMed below 0.00001; gnomAD 0.00001.
gnomAD v4.1: 1 of 1,612,806 alleles (0.000062%); highest among the groups gnomAD compares: Non-Finnish European, 0.000085%; no homozygotes.

Submissions (4):

Labcorp Genetics (formerly Invitae), Labcorp
Classification: Pathogenic. Last evaluated: 2025-09-23. Review status: criteria provided, single submitter. Criteria: Invitae Variant Classification Sherloc (09022015). Collection method: clinical testing. Allele origin: germline.
Comment: This sequence change affects a donor splice site in intron 20 of the OPA1 gene. It is expected to disrupt RNA splicing. Variants that disrupt the donor or acceptor splice site typically lead to a loss of protein function (PMID: 16199547), and loss-of-function variants in OPA1 are known to be pathogenic (PMID: 11440988, 20157015, 20952381, 25012220). This variant is not present in population databases (gnomAD no frequency). Disruption of this splice site has been observed in individuals with autosomal dominant optic atrophy (PMID: 16006781, 22857269). It has also been observed to segregate with disease in related individuals. ClinVar contains an entry for this variant (Variation ID: 593455). Algorithms developed to predict the effect of sequence changes on RNA splicing suggest that this variant may disrupt the consensus splice site. For these reasons, this variant has been classified as Pathogenic.

GeneDx
Classification: Pathogenic. Last evaluated: 2025-06-16. Review status: criteria provided, single submitter. Criteria: GeneDx Variant Classification Process June 2021. Collection method: clinical testing. Allele origin: germline. Affected: yes.
Comment: Canonical splice site variant predicted to result in a null allele in a gene for which loss of function is a known mechanism of disease; Not observed at significant frequency in large population cohorts (gnomAD); This variant is associated with the following publications: (PMID: 22857269, 16006781)

Blueprint Genetics
Classification: Pathogenic for OPA1-related disorders. Last evaluated: 2022-12-27. Review status: criteria provided, single submitter. Criteria: ACMG Guidelines, 2015. Collection method: clinical testing. Allele origin: germline. Affected: yes. Observed: 3 variant alleles.

Eurofins Ntd Llc (ga)
Classification: Pathogenic. Last evaluated: 2017-08-07. Review status: criteria provided, single submitter. Criteria: EGL Classification Definitions 2015. Collection method: clinical testing. Allele origin: germline. Observed: 1 variant allele, 1 heterozygote.

Literature cited by the submitters: PubMed 16199547 (cited by Labcorp Genetics (formerly Invitae), Labcorp); PubMed 11440988 (cited by Labcorp Genetics (formerly Invitae), Labcorp); PubMed 20157015 (cited by Labcorp Genetics (formerly Invitae), Labcorp); PubMed 20952381 (cited by Labcorp Genetics (formerly Invitae), Labcorp); PubMed 25012220 (cited by Labcorp Genetics (formerly Invitae), Labcorp); PubMed 16006781 (cited by Labcorp Genetics (formerly Invitae), Labcorp); PubMed 22857269 (cited by Labcorp Genetics (formerly Invitae), Labcorp).